The following is an entry in ClinVar:

NM_001004334.4(GPR179):c.3907del (p.Val1303fs)

Gene: GPR179 (G protein-coupled receptor 179; minus strand). Cytogenetic location: 17q12.
Variant type: Deletion.
Coding change: c.3907del on transcript NM_001004334.4 (MANE Select); coding-DNA position 3907, one base deleted (G; older notation c.3907delG).
Protein change: p.Val1303fs; shifts the reading frame from valine 1303.
Molecular consequence: frameshift variant.
Genome position (GRCh38, 1-based): chr17:38,329,662, C deleted on the plus strand (G on the coding strand, the reverse complement: GPR179 is on the minus strand); the first of 2 consecutive C bases (chr17:38,329,662-38,329,663); deleting either gives the same sequence. VCF-style (leftmost placement, unchanged base first): chr17-38329661-AC-A. GRCh37 (hg19) VCF-style: chr17-36485544-AC-A.
Other names: short protein forms V1303fs.
Identifiers: ClinVar variation 1470011 (VCV001470011.6), dbSNP rs2144260192, ClinGen allele CA2573153922.

ClinVar aggregate classification (germline): Uncertain significance (1 of 4 stars; one submission).

Submission:

Labcorp Genetics (formerly Invitae), Labcorp
Classification: Uncertain significance. Last evaluated: 2025-03-17. Review status: criteria provided, single submitter. Criteria: Invitae Variant Classification Sherloc (09022015). Collection method: clinical testing. Allele origin: germline.
Comment: This sequence change creates a premature translational stop signal (p.Val1303Phefs*3) in the GPR179 gene. While this is not anticipated to result in nonsense mediated decay, it is expected to disrupt the last 1065 amino acid(s) of the GPR179 protein. This variant is not present in population databases (gnomAD no frequency). This variant has not been reported in the literature in individuals affected with GPR179-related conditions. ClinVar contains an entry for this variant (Variation ID: 1470011). Experimental studies and prediction algorithms are not available or were not evaluated, and the functional significance of this variant is currently unknown. In summary, the available evidence is currently insufficient to determine the role of this variant in disease. Therefore, it has been classified as a Variant of Uncertain Significance.